The following is an entry in ClinVar:

NM_000089.4(COL1A2):c.541-18A>G

Gene: COL1A2 (collagen type I alpha 2 chain; plus strand). Cytogenetic location: 7q21.3.
Variant type: single nucleotide variant.
Coding change: c.541-18A>G on transcript NM_000089.4 (MANE Select); 18 bases into the intron before coding-DNA position 541, A replaced by G.
Molecular consequence: intron variant.
Genome position (GRCh38, 1-based): chr7:94,406,232, A>G. VCF-style: chr7-94406232-A-G. GRCh37 (hg19) VCF-style: chr7-94035544-A-G.
Identifiers: ClinVar variation 508959 (VCV000508959.1), dbSNP rs1554395621, ClinGen allele CA658796979.

ClinVar aggregate classification (germline): Likely benign (1 of 4 stars; one submission).

Allele frequency attached by ClinVar (database versions not stated): gnomAD below 0.00001 and 0.00001; gnomAD exomes below 0.00001.
gnomAD v4.1: 2 of 1,613,220 alleles (0.00012%); highest among the groups gnomAD compares: South Asian, 0.0011%; no homozygotes.

Submission:

GeneDx
Classification: Likely benign. Last evaluated: 2017-04-17. Review status: criteria provided, single submitter. Criteria: GeneDx Variant Classification (06012015). Collection method: clinical testing. Allele origin: germline. Affected: yes.
Comment: This variant is considered likely benign or benign based on one or more of the following criteria: it is a conservative change, it occurs at a poorly conserved position in the protein, it is predicted to be benign by multiple in silico algorithms, and/or has population frequency not consistent with disease.